The following is an entry in ClinVar:

NM_000751.3(CHRND):c.803T>C (p.Phe268Ser)

Gene: CHRND (cholinergic receptor nicotinic delta subunit; plus strand). Cytogenetic location: 2q37.1.
Variant type: single nucleotide variant.
Coding change: c.803T>C on transcript NM_000751.3 (MANE Select); coding-DNA position 803, T replaced by C.
Protein change: p.Phe268Ser; replaces phenylalanine 268 with serine.
Molecular consequence: missense variant. On other transcripts: intron variant (1).
Genome position (GRCh38, 1-based): chr2:232,530,122, T>C. VCF-style: chr2-232530122-T-C. GRCh37 (hg19) VCF-style: chr2-233394832-T-C.
Other names: c.758T>C, p.Phe253Ser (NM_001256657.2); c.500T>C, p.Phe167Ser (NM_001311196.2); c.239-1230T>C (NM_001311195.2); short protein forms F167S, F268S, F253S.
Identifiers: ClinVar variation 5006248 (VCV005006248.2).

ClinVar aggregate classification (germline): Uncertain significance (1 of 4 stars; one submission).

Conditions:
Congenital myasthenic syndrome 3A. Also called: Myasthenic syndrome, congenital, 3a, slow-channel. Identifiers: Orphanet 590, MedGen C4225372, MONDO:0014583, OMIM 616321.
Congenital myasthenic syndrome 3B (CMS3B). Also called: Myasthenic syndrome, congenital, 3B, fast-channel. Identifiers: Orphanet 590, MedGen C4225371, MONDO:0014584, OMIM 616322.
Congenital myasthenic syndrome 3C. Also called: Myasthenic syndrome, congenital, 3c, associated with acetylcholine receptor deficiency. Identifiers: Orphanet 590, MedGen C4225370, MONDO:0014585, OMIM 616323.
Lethal multiple pterygium syndrome (LMPS). Identifiers: Orphanet 33108, MedGen C1854678, MONDO:0009668, OMIM 253290.

gnomAD v4.1: 1 of 1,613,966 alleles (0.000062%); highest among the groups gnomAD compares: East Asian, 0.0022%; no homozygotes.

Submission:

Juno Genomics, Hangzhou Juno Genomics, Inc
Classification: Uncertain significance for Congenital myasthenic syndrome 3A; Congenital myasthenic syndrome 3C; Lethal multiple pterygium syndrome; Congenital myasthenic syndrome 3B. Review status: criteria provided, single submitter. Criteria: ACMG Guidelines, 2015. Collection method: clinical testing. Allele origin: germline.
Comment: Absent from controls (or at extremely low frequency if recessive) in Genome Aggregation Database.;Multiple lines of computational evidence support a deleterious effect on the gene or gene product.